The following is an entry in ClinVar:

ClinVar aggregate classification (germline): Uncertain significance (1 of 4 stars; one submission).

Submission:

GeneDx
Classification: Uncertain significance. Last evaluated: 2024-07-23. Review status: criteria provided, single submitter. Criteria: GeneDx Variant Classification Process June 2021. Collection method: clinical testing. Allele origin: germline. Affected: yes.
Comment: Not observed at significant frequency in large population cohorts (gnomAD); In silico analysis supports that this missense variant has a deleterious effect on protein structure/function; Has not been previously published as pathogenic or benign to our knowledge

NM_001083962.2(TCF4):c.1901C>T (p.Ala634Val)

Gene: TCF4 (transcription factor 4; minus strand). Cytogenetic location: 18q21.2.
Variant type: single nucleotide variant.
Coding change: c.1901C>T on transcript NM_001083962.2 (MANE Select); coding-DNA position 1901, C replaced by T.
Protein change: p.Ala634Val; replaces alanine 634 with valine.
Molecular consequence: missense variant.
Genome position (GRCh38, 1-based): chr18:55,228,340, G>A on the plus strand (C>T on the coding strand, the complement: TCF4 is on the minus strand). VCF-style: chr18-55228340-G-A. GRCh37 (hg19) VCF-style: chr18-52895571-G-A.
Other names: c.2207C>T, p.Ala736Val (NM_001243226.3); c.1829C>T, p.Ala610Val (NM_001243227.2, NM_001348217.1, NM_001348218.2 and 1 more transcripts); c.1919C>T, p.Ala640Val (NM_001243228.2); c.1880C>T, p.Ala627Val (NM_001243230.2); c.1763C>T, p.Ala588Val (NM_001243231.2); c.1688C>T, p.Ala563Val (NM_001243232.1); c.1499C>T, p.Ala500Val (NM_001243233.2, NM_001348212.2); c.1421C>T, p.Ala474Val (NM_001243234.2, NM_001348216.2); and 14 more; short protein forms A418V, A469V, A470V, A474V, A500V, A504V, A559V, A563V.
Identifiers: ClinVar variation 3600769 (VCV003600769.1).